The following is an entry in ClinVar:

ClinVar aggregate classification (germline): Likely benign. Review status: criteria provided, multiple submitters, no conflicts (2 of 4 stars). 2 submissions from 2 submitters: Likely benign (2). Last evaluated 2026-06-01.

Submissions (2):

CeGaT Center for Human Genetics Tuebingen
Classification: Likely benign. Last evaluated: 2026-06-01. Review status: criteria provided, single submitter. Criteria: CeGaT Center For Human Genetics Tuebingen Variant Classification Criteria Version 2. Collection method: clinical testing. Allele origin: germline. Affected: yes. Observed: 3 variant alleles.
Comment: FMN2: BP4, BP7

Blueprint Genetics
Classification: Likely benign. Last evaluated: 2024-11-21. Review status: criteria provided, single submitter. Criteria: ACMG Guidelines, 2015. Collection method: clinical testing. Allele origin: germline.

NM_020066.5(FMN2):c.2943A>T (p.Leu981=)

Gene: FMN2 (formin 2; plus strand). Cytogenetic location: 1q43.
Variant type: single nucleotide variant.
Coding change: c.2943A>T on transcript NM_020066.5 (MANE Select); coding-DNA position 2943, A replaced by T.
Protein change: p.Leu981=; no amino-acid change (leucine 981 retained).
Molecular consequence: synonymous variant. On other transcripts: intron variant (1).
Genome position (GRCh38, 1-based): chr1:240,207,755, A>T. VCF-style: chr1-240207755-A-T. GRCh37 (hg19) VCF-style: chr1-240371055-A-T.
Other names: c.2955A>T, p.Leu985= (NM_001305424.2); c.1986+19493A>T (NM_001348094.2).
Identifiers: ClinVar variation 3770663 (VCV003770663.14).